The following is an entry in ClinVar:

NM_001371986.1(UNC80):c.5806+6G>A

Gene: UNC80 (unc-80 subunit of NALCN channel complex; plus strand). Cytogenetic location: 2q34.
Variant type: single nucleotide variant.
Coding change: c.5806+6G>A on transcript NM_001371986.1 (MANE Select); 6 bases into the intron after coding-DNA position 5806, G replaced by A.
Molecular consequence: intron variant.
Genome position (GRCh38, 1-based): chr2:209,926,992, G>A. VCF-style: chr2-209926992-G-A. GRCh37 (hg19) VCF-style: chr2-210791716-G-A.
Other names: c.5608+6G>A (NM_032504.2); c.5593+6G>A (NM_182587.4).
Identifiers: ClinVar variation 2163442 (VCV002163442.3), dbSNP rs1414030349, ClinGen allele CA764098632.

ClinVar aggregate classification (germline): Uncertain significance (1 of 4 stars; one submission).

Allele frequency attached by ClinVar (database versions not stated): gnomAD 0.00001; gnomAD exomes 0.00001; TOPMed 0.00002.
gnomAD v4.1: 15 of 1,551,332 alleles (0.00097%); highest among the groups gnomAD compares: Non-Finnish European, 0.0013%; no homozygotes.

Submission:

Labcorp Genetics (formerly Invitae), Labcorp
Classification: Uncertain significance. Last evaluated: 2024-05-15. Review status: criteria provided, single submitter. Criteria: Invitae Variant Classification Sherloc (09022015). Collection method: clinical testing. Allele origin: germline.
Comment: This sequence change falls in intron 35 of the UNC80 gene. It does not directly change the encoded amino acid sequence of the UNC80 protein. It affects a nucleotide within the consensus splice site. This variant is not present in population databases (gnomAD no frequency). This variant has not been reported in the literature in individuals affected with UNC80-related conditions. ClinVar contains an entry for this variant (Variation ID: 2163442). Variants that disrupt the consensus splice site are a relatively common cause of aberrant splicing (PMID: 17576681, 9536098). Algorithms developed to predict the effect of sequence changes on RNA splicing suggest that this variant is not likely to affect RNA splicing. In summary, the available evidence is currently insufficient to determine the role of this variant in disease. Therefore, it has been classified as a Variant of Uncertain Significance.

Literature cited by the submitters: PubMed 17576681; PubMed 9536098.